The following is an entry in ClinVar:

ClinVar aggregate classification (germline): Uncertain significance. Review status: criteria provided, multiple submitters, no conflicts (2 of 4 stars). 7 submissions from 7 submitters: Uncertain significance (7). Last evaluated 2026-03-27.

Conditions:
Hereditary cancer-predisposing syndrome. Also called: Tumor predisposition; Hereditary Cancer Syndrome; Hereditary neoplastic syndrome; Neoplastic Syndromes, Hereditary. Identifiers: Orphanet 140162, MedGen C0027672, MeSH D009386, MONDO:0015356.
Familial adenomatous polyposis 1 (FAP1). Also called: FAMILIAL ADENOMATOUS POLYPOSIS 1, ATTENUATED; POLYPOSIS, ADENOMATOUS INTESTINAL. Identifiers: MedGen C2713442, MONDO:0021056, OMIM 175100. Disease mechanism: loss of function.

Allele frequency attached by ClinVar (database versions not stated): TOPMed 0.00002; gnomAD 0.00001.
gnomAD v4.1: 16 of 1,611,658 alleles (0.00099%); highest among the groups gnomAD compares: Middle Eastern, 0.033%; no homozygotes.

Submissions (7):

Women's Health and Genetics/Laboratory Corporation of America, LabCorp
Classification: Uncertain significance. Last evaluated: 2026-03-27. Review status: criteria provided, single submitter. Criteria: LabCorp Variant Classification Summary - May 2015. Collection method: clinical testing. Allele origin: germline.
Comment: Variant summary: APC c.905G>A (p.Arg302Gln) results in a conservative amino acid change in the encoded protein sequence. Algorithms developed to predict the effect of missense changes on protein structure and function are either unavailable or do not agree on the potential impact of this missense change. The variant allele was found at a frequency of 8.7e-06 in 1604686 control chromosomes (gnomAD). This frequency is not significantly higher than estimated for disease-causing variants in APC, allowing no conclusion about variant significance. c.905G>A has been observed in a large study in healthy controls (Okawa_2022). These report(s) do not provide unequivocal conclusions about association of the variant with Familial Adenomatous Polyposis. To our knowledge, no experimental evidence demonstrating an impact on protein function has been reported. The following publication has been ascertained in the context of this evaluation (PMID: 36243179). ClinVar contains an entry for this variant (Variation ID: 470152). Based on the evidence outlined above, the variant was classified as uncertain significance.

Labcorp Genetics (formerly Invitae), Labcorp
Classification: Uncertain significance for Familial adenomatous polyposis 1. Last evaluated: 2025-09-22. Review status: criteria provided, single submitter. Criteria: Invitae Variant Classification Sherloc (09022015). Collection method: clinical testing. Allele origin: germline.
Comment: This sequence change replaces arginine, which is basic and polar, with glutamine, which is neutral and polar, at codon 302 of the APC protein (p.Arg302Gln). This variant is not present in population databases (gnomAD no frequency). This variant has not been reported in the literature in individuals affected with APC-related conditions. ClinVar contains an entry for this variant (Variation ID: 470152). Invitae Evidence Modeling of protein sequence and biophysical properties (such as structural, functional, and spatial information, amino acid conservation, physicochemical variation, residue mobility, and thermodynamic stability) indicates that this missense variant is not expected to disrupt APC protein function with a negative predictive value of 95%. In summary, the available evidence is currently insufficient to determine the role of this variant in disease. Therefore, it has been classified as a Variant of Uncertain Significance.

Ambry Genetics
Classification: Uncertain significance for Hereditary cancer-predisposing syndrome. Last evaluated: 2025-08-25. Review status: criteria provided, single submitter. Criteria: Ambry Variant Classification Scheme 2023. Collection method: clinical testing. Allele origin: germline.

Color Diagnostics, LLC DBA Color Health
Classification: Uncertain significance for Hereditary cancer-predisposing syndrome. Last evaluated: 2024-09-09. Review status: criteria provided, single submitter. Criteria: ACMG Guidelines, 2015. Collection method: clinical testing. Allele origin: germline.
Comment: This missense variant replaces arginine with glutamine at codon 302 of the APC protein. Computational prediction suggests that this variant may not impact protein structure and function (internally defined REVEL score threshold <= 0.5, PMID: 27666373). To our knowledge, functional studies have not been reported for this variant. This variant has not been reported in individuals affected with APC-related disorders in the literature. This variant has not been identified in the general population by the Genome Aggregation Database (gnomAD). The available evidence is insufficient to determine the role of this variant in disease conclusively. Therefore, this variant is classified as a Variant of Uncertain Significance.

Baylor Genetics
Classification: Uncertain significance for Familial adenomatous polyposis 1. Last evaluated: 2022-11-07. Review status: criteria provided, single submitter. Criteria: ACMG Guidelines, 2015. Collection method: clinical testing. Allele origin: unknown.

Mendelics
Classification: Uncertain significance. Last evaluated: 2022-05-04. Review status: criteria provided, single submitter. Criteria: Mendelics Assertion Criteria 2019. Collection method: clinical testing. Allele origin: germline.

Quest Diagnostics Nichols Institute San Juan Capistrano
Classification: Uncertain significance. Last evaluated: 2019-06-18. Review status: criteria provided, single submitter. Criteria: Quest Diagnostics criteria. Collection method: clinical testing. Allele origin: germline.

Literature cited by the submitters: PubMed 36243179 (cited by Women's Health and Genetics/Laboratory Corporation of America, LabCorp).

NM_000038.6(APC):c.905G>A (p.Arg302Gln)

Gene: APC (APC regulator of Wnt signaling pathway; plus strand). Cytogenetic location: 5q22.2.
Variant type: single nucleotide variant.
Coding change: c.905G>A on transcript NM_000038.6 (MANE Select); coding-DNA position 905, G replaced by A.
Protein change: p.Arg302Gln; replaces arginine 302 with glutamine.
Molecular consequence: missense variant.
Genome position (GRCh38, 1-based): chr5:112,815,565, G>A. VCF-style: chr5-112815565-G-A. GRCh37 (hg19) VCF-style: chr5-112151262-G-A.
Other names: c.905G>A, p.Arg302Gln (NM_001127510.3, NM_001354895.2, NM_001354896.2 and 1 more transcripts); c.851G>A, p.Arg284Gln (NM_001127511.3); c.935G>A, p.Arg312Gln (NM_001354897.2, NM_001354902.2); c.830G>A, p.Arg277Gln (NM_001354898.2, NM_001354904.2); c.821G>A, p.Arg274Gln (NM_001354899.2); c.728G>A, p.Arg243Gln (NM_001354900.2, NM_001354901.2, NM_001354905.2); c.56G>A, p.Arg19Gln (NM_001354906.2); short protein forms R284Q, R302Q, R243Q, R274Q, R312Q, R277Q, R19Q.
Identifiers: ClinVar variation 470152 (VCV000470152.25), dbSNP rs764841552, ClinGen allele CA16023293.